The following is an entry in ClinVar:

ClinVar aggregate classification (germline): Likely benign. Review status: criteria provided, multiple submitters, no conflicts (2 of 4 stars). 2 submissions from 2 submitters: Likely benign (2). Last evaluated 2026-09-01.

Conditions:
Branched-chain keto acid dehydrogenase kinase deficiency (BCKDKD). Also called: BCKDK DEFICIENCY. Identifiers: Orphanet 308410, MedGen C3554078, MONDO:0013970, OMIM 614923.

Allele frequency attached by ClinVar (database versions not stated): gnomAD 0.00001 and 0.00002; TOPMed 0.00002; 1000 Genomes Project 30x 0.00031.
gnomAD v4.1: 19 of 1,612,204 alleles (0.0012%); highest among the groups gnomAD compares: Non-Finnish European, 0.0016%; no homozygotes.

Submissions (2):

CeGaT Center for Human Genetics Tuebingen
Classification: Likely benign. Last evaluated: 2026-09-01. Review status: criteria provided, single submitter. Criteria: CeGaT Center For Human Genetics Tuebingen Variant Classification Criteria Version 2. Collection method: clinical testing. Allele origin: germline. Affected: yes. Observed: 1 variant allele.
Comment: BCKDK: BP4, BP7

Labcorp Genetics (formerly Invitae), Labcorp
Classification: Likely benign for Branched-chain keto acid dehydrogenase kinase deficiency. Last evaluated: 2022-05-26. Review status: criteria provided, single submitter. Criteria: Invitae Variant Classification Sherloc (09022015). Collection method: clinical testing. Allele origin: germline.

NM_005881.4(BCKDK):c.1116G>A (p.Thr372=)

Gene: BCKDK (branched chain keto acid dehydrogenase kinase; plus strand). Cytogenetic location: 16p11.2.
Variant type: single nucleotide variant.
Coding change: c.1116G>A on transcript NM_005881.4 (MANE Select); coding-DNA position 1116, G replaced by A.
Protein change: p.Thr372=; no amino-acid change (threonine 372 retained).
Molecular consequence: synonymous variant. On other transcripts: 3 prime UTR variant (2).
Genome position (GRCh38, 1-based): chr16:31,112,142, G>A. VCF-style: chr16-31112142-G-A. GRCh37 (hg19) VCF-style: chr16-31123463-G-A.
Other names: c.*111G>A (NM_001122957.4, NM_001271926.3).
Identifiers: ClinVar variation 798877 (VCV000798877.9), dbSNP rs111551851, ClinGen allele CA8021786.
Genomic context (GRCh38, chr16:31,112,142, plus strand): 5'-CTCTGAAGCCTCCTGTCCTGTCCCCCTGCCCACCCCCAGCTTTGGCTTCGGGTTGCCCAC[G>A]TCACGGGCCTACGCGGAGTACCTCGGTGGGTCTCTGCAGCTGCAGTCCCTGCAGGGCATT-3'
Protein context (NP_005872.2, residues 362-382): PMHGFGFGLP[Thr372=]SRAYAEYLGG